The following is an entry in ClinVar:

ClinVar aggregate classification (germline): Pathogenic (1 of 4 stars; one submission).

Conditions:
Acyl-CoA oxidase deficiency. Also called: STRAIGHT-CHAIN ACYL-CoA OXIDASE DEFICIENCY; Peroxisomal acyl-CoA oxidase deficiency; Pseudoneonatal adrenoleukodystrophy. Identifiers: Orphanet 2971, MedGen C1849678, MONDO:0009919, OMIM 264470. Disease mechanism: loss of function.

Submission:

Labcorp Genetics (formerly Invitae), Labcorp
Classification: Pathogenic for Acyl-CoA oxidase deficiency. Last evaluated: 2021-12-24. Review status: criteria provided, single submitter. Criteria: Invitae Variant Classification Sherloc (09022015). Collection method: clinical testing. Allele origin: germline.
Comment: This variant is a gross deletion of the genomic region encompassing exon(s) 3 of the ACOX1 gene. This deletion is out-of-frame, and is expected to create a premature termination codon and result in an absent or disrupted protein product. Loss-of-function variants in ACOX1 are known to be pathogenic (PMID: 8040306, 17458872). A similar copy number variant has been observed in individual(s) with peroxisomal acyl-CoA oxidase deficiency (PMID: 33510602). For these reasons, this variant has been classified as Pathogenic.

Literature cited by the submitters: PubMed 8040306; PubMed 17458872; PubMed 33510602.

NC_000017.10:g.(?_73956286)_(73956466_?)del

Gene: ACOX1 (acyl-CoA oxidase 1; minus strand). Cytogenetic location: 17q25.1.
Variant type: Deletion.
Identifiers: ClinVar variation 2425011 (VCV002425011.3).